The following is an entry in ClinVar:

NM_001042432.2(CLN3):c.551G>A (p.Trp184Ter)

Gene: CLN3 (CLN3 lysosomal/endosomal transmembrane protein, battenin; minus strand). Cytogenetic location: 16p12.1.
Variant type: single nucleotide variant.
Coding change: c.551G>A on transcript NM_001042432.2 (MANE Select); coding-DNA position 551, G replaced by A.
Protein change: p.Trp184Ter; replaces tryptophan 184 with a stop codon.
Molecular consequence: nonsense.
Genome position (GRCh38, 1-based): chr16:28,486,473, C>T on the plus strand (G>A on the coding strand, the complement: CLN3 is on the minus strand). VCF-style: chr16-28486473-C-T. GRCh37 (hg19) VCF-style: chr16-28497794-C-T.
Other names: c.551G>A, p.Trp184Ter (NM_000086.2); c.479G>A, p.Trp160Ter (NM_001286104.2); c.251G>A, p.Trp84Ter (NM_001286105.2); c.317G>A, p.Trp106Ter (NM_001286109.2); c.389G>A, p.Trp130Ter (NM_001286110.2); short protein forms W106*, W130*, W160*, W184*, W84*.
Identifiers: ClinVar variation 2417180 (VCV002417180.8), dbSNP rs2141712529, ClinGen allele CA395345500.
Genomic context (GRCh38, chr16:28,486,473, plus strand): 5'-TGGGTGAGGCCCAGGTAGGACAGGGCCCCCAGCAGCCCAGCTCCCCCAGTCCCTGAGGAC[C>T]ACCAGGAGATCACGGCCCTGGGAAGGAGAACACAGGAACATTCAGGAGGACCTAGGCTGA-3'

ClinVar aggregate classification (germline): Pathogenic/Likely pathogenic. Review status: criteria provided, multiple submitters, no conflicts (2 of 4 stars). 3 submissions from 3 submitters: Pathogenic (1); Likely pathogenic (2). Last evaluated 2025-04-07.

Conditions:
Neuronal ceroid lipofuscinosis. Also called: Neuronal Ceroid Lipofuscinoses. Identifiers: Orphanet 216, Orphanet 79263, MedGen C0027877, MONDO:0016295. Disease mechanism: loss of function.
Juvenile neuronal ceroid lipofuscinosis. Also called: Batten Disease. Identifiers: Orphanet 79264, MedGen CN293564, MONDO:0019262.
Neuronal ceroid lipofuscinosis 3 (CLN3). Identifiers: Orphanet 228346, MedGen C0751383, MONDO:0008767, OMIM 204200.

Submissions (3):

Natera, Inc.
Classification: Likely pathogenic for Batten Disease. Last evaluated: 2025-04-07. Review status: criteria provided, single submitter. Criteria: Natera Variant Classification Schema (03/2026). Collection method: clinical testing. Allele origin: germline.
Comment: The c.551G>A variant in CLN3 is a nonsense variant predicted to introduce a stop codon at amino acid 184. This variant is expected to result in nonsense mediated decay, truncation, or a dysfunctional protein product. This variant is rare in the general population with a frequency below the threshold expected for the associated phenotype(s). Given the available evidence, this variant is classified as Likely Pathogenic.

Labcorp Genetics (formerly Invitae), Labcorp
Classification: Pathogenic for Neuronal ceroid lipofuscinosis. Last evaluated: 2024-10-09. Review status: criteria provided, single submitter. Criteria: Invitae Variant Classification Sherloc (09022015). Collection method: clinical testing. Allele origin: germline.
Comment: This sequence change creates a premature translational stop signal (p.Trp184*) in the CLN3 gene. It is expected to result in an absent or disrupted protein product. Loss-of-function variants in CLN3 are known to be pathogenic (PMID: 9311735, 28542676). This variant is not present in population databases (gnomAD no frequency). This variant has not been reported in the literature in individuals affected with CLN3-related conditions. ClinVar contains an entry for this variant (Variation ID: 2417180). For these reasons, this variant has been classified as Pathogenic.

Baylor Genetics
Classification: Likely pathogenic for Neuronal ceroid lipofuscinosis 3. Last evaluated: 2023-02-25. Review status: criteria provided, single submitter. Criteria: ACMG Guidelines, 2015. Collection method: clinical testing. Allele origin: unknown.

Literature cited by the submitters: PubMed 9311735 (cited by Labcorp Genetics (formerly Invitae), Labcorp); PubMed 28542676 (cited by Labcorp Genetics (formerly Invitae), Labcorp).